The following is an entry in ClinVar:

NM_030948.6(PHACTR1):c.1162T>G (p.Ser388Ala)

Gene: PHACTR1 (phosphatase and actin regulator 1; plus strand). Cytogenetic location: 6p24.1.
Variant type: single nucleotide variant.
Coding change: c.1162T>G on transcript NM_030948.6 (MANE Select); coding-DNA position 1162, T replaced by G.
Protein change: p.Ser388Ala; replaces serine 388 with alanine.
Molecular consequence: missense variant.
Genome position (GRCh38, 1-based): chr6:13,227,991, T>G. VCF-style: chr6-13227991-T-G. GRCh37 (hg19) VCF-style: chr6-13228223-T-G.
Other names: c.1162T>G (NM_030948.2); c.1162T>G, p.Ser388Ala (NM_001242648.4, NM_001322308.3, NM_001322309.3 and 1 more transcripts); c.1369T>G, p.Ser457Ala (NM_001322310.2, NM_001374582.1); c.886T>G, p.Ser296Ala (NM_001322311.2, NM_001322312.3, NM_001374583.2); c.1093T>G, p.Ser365Ala (NM_001322313.2); c.1372T>G, p.Ser458Ala (NM_001322314.4); short protein forms S296A, S365A, S388A, S457A, S458A.
Identifiers: ClinVar variation 4056711 (VCV004056711.2).

ClinVar aggregate classification (germline): Uncertain significance. Review status: criteria provided, multiple submitters, no conflicts (2 of 4 stars). 2 submissions from 2 submitters: Uncertain significance (2). Last evaluated 2025-11-11.

Conditions:
Developmental and epileptic encephalopathy, 70. Also called: EPILEPTIC ENCEPHALOPATHY, EARLY INFANTILE, 70. Identifiers: MedGen C4749023, MONDO:0032663, OMIM 618298.

gnomAD v4.1: 17 of 1,613,866 alleles (0.0011%); highest among the groups gnomAD compares: Admixed American, 0.0033%; no homozygotes.

Submissions (2):

Ambry Genetics
Classification: Uncertain significance. Last evaluated: 2025-11-11. Review status: criteria provided, single submitter. Criteria: Ambry Variant Classification Scheme 2023. Collection method: clinical testing. Allele origin: germline.

Laboratorio de Genetica e Diagnostico Molecular, Hospital Israelita Albert Einstein
Classification: Uncertain significance for Developmental and epileptic encephalopathy, 70. Last evaluated: 2024-04-28. Review status: criteria provided, single submitter. Criteria: ACMG Guidelines, 2015. Collection method: clinical testing. Allele origin: germline. Affected: yes.
Comment: ACMG classification criteria: PM2 supporting, PP2 supporting, BP4 supporting